The following is an entry in ClinVar:

ClinVar aggregate classification (germline): Conflicting classifications of pathogenicity. Review status: criteria provided, conflicting classifications (1 of 4 stars). 2 submissions from 2 submitters: Pathogenic (1); Uncertain significance (1). Last evaluated 2026-01-21.

Conditions:
TUB-related disorder. Also called: TUB-related condition.

Allele frequency attached by ClinVar (database versions not stated): gnomAD exomes below 0.00001; TOPMed below 0.00001.
gnomAD v4.1: 3 of 1,613,870 alleles (0.00019%); highest among the groups gnomAD compares: Non-Finnish European, 0.00025%; no homozygotes.

Submissions (2):

PreventionGenetics, part of Exact Sciences
Classification: Uncertain significance for TUB-related condition. Last evaluated: 2026-01-21. Review status: criteria provided, single submitter. Criteria: ACMG Guidelines, 2015. Collection method: clinical testing. Allele origin: germline.
Comment: The TUB c.1132C>T variant is predicted to result in premature protein termination (p.Arg378*). To our knowledge, this variant has not been reported in the literature. This variant has not been reported in a large population database (gnomAD), indicating this variant is rare. Loss-of-function variants in TUB, such as this nonsense variant, have not been established as a mechanism of disease. At this time, the clinical significance of this variant is uncertain due to the absence of conclusive functional and genetic evidence.

Labcorp Genetics (formerly Invitae), Labcorp
Classification: Pathogenic. Last evaluated: 2022-01-06. Review status: criteria provided, single submitter. Criteria: Invitae Variant Classification Sherloc (09022015). Collection method: clinical testing. Allele origin: germline.
Comment: For these reasons, this variant has been classified as Pathogenic. ClinVar contains an entry for this variant (Variation ID: 1075292). This variant has not been reported in the literature in individuals affected with TUB-related conditions. This variant is not present in population databases (gnomAD no frequency). This sequence change creates a premature translational stop signal (p.Arg378*) in the TUB gene. It is expected to result in an absent or disrupted protein product. Loss-of-function variants in TUB are known to be pathogenic (PMID: 24375934).

Literature cited by the submitters: PubMed 24375934 (cited by Labcorp Genetics (formerly Invitae), Labcorp).

NM_177972.3(TUB):c.967C>T (p.Arg323Ter)

Genes: RIC3 (RIC3 acetylcholine receptor chaperone; minus strand), TUB (TUB bipartite transcription factor; plus strand). Cytogenetic location: 11p15.4.
Variant type: single nucleotide variant.
Coding change: c.967C>T on transcript NM_177972.3 (MANE Select); coding-DNA position 967, C replaced by T.
Protein change: p.Arg323Ter; replaces arginine 323 with a stop codon.
Molecular consequence: nonsense.
Genome position (GRCh38, 1-based): chr11:8,097,795, C>T. VCF-style: chr11-8097795-C-T. GRCh37 (hg19) VCF-style: chr11-8119342-C-T.
Other names: c.1132C>T (NM_003320.4); c.1132C>T, p.Arg378Ter (NM_003320.5); short protein forms R323*, R378*.
Identifiers: ClinVar variation 1075292 (VCV001075292.9), dbSNP rs1944064401, ClinGen allele CA379569754.
Genomic context (GRCh38, chr11:8,097,795, plus strand): 5'-AAGAGAAAGAAGAGTAAAACTTCCAATTACCTCATCTCTGTGGACCCAACAGACTTGTCT[C>T]GAGGAGGGGACAGCTATATCGGGAAACTGCGGTACTAGCATTCCCCCAGGAAGCAGGCGG-3'